The following is an entry in ClinVar:

ClinVar aggregate classification (germline): Conflicting classifications of pathogenicity. Review status: criteria provided, conflicting classifications (1 of 4 stars). 7 submissions from 6 submitters: Uncertain significance (5); Likely benign (2). Last evaluated 2026-08-25.

Conditions:
MKS1-related disorder. Also called: MKS1-related disorders; MKS1-related condition. Identifiers: MedGen CN239382.
Joubert syndrome. Also called: Familial aplasia of the vermis; JOUBERT-BOLTSHAUSER SYNDROME. Identifiers: Orphanet 475, MedGen C5979921, MONDO:0018772.
Meckel-Gruber syndrome. Also called: DYSENCEPHALIA SPLANCHNOCYSTICA; GRUBER SYNDROME; Dysencephalia splachnocystica. Identifiers: Orphanet 564, MedGen C0265215, MONDO:0018921.
Meckel syndrome, type 1 (MKS1). Also called: MECKEL-GRUBER SYNDROME, TYPE 1. Identifiers: Orphanet 564, MedGen C3714506, MONDO:0009571, OMIM 249000.
Inborn genetic diseases. Identifiers: MedGen C0950123, MeSH D030342.
Bardet-Biedl syndrome 13 (BBS13). Identifiers: Orphanet 110, MedGen C2673873, MONDO:0014441, OMIM 615990.

Allele frequency attached by ClinVar (database versions not stated): gnomAD 0.00003; gnomAD exomes 0.00003 and 0.00011; ExAC 0.00007; TOPMed 0.00011.
gnomAD v4.1: 46 of 1,614,060 alleles (0.0028%); highest among the groups gnomAD compares: Admixed American, 0.045%; no homozygotes.

Submissions (7):

PreventionGenetics, part of Exact Sciences
Classification: Uncertain significance for MKS1-related condition. Last evaluated: 2026-08-25. Review status: criteria provided, single submitter. Criteria: ACMG Guidelines, 2015. Collection method: clinical testing. Allele origin: germline.
Comment: The MKS1 c.1322C>T variant is predicted to result in the amino acid substitution p.Thr441Met. To our knowledge, this variant has not been reported in the literature. This variant is reported in 0.070% of alleles in individuals of Latino descent in gnomAD, which may be too common to be an undocumented pathogenic variant. Although we suspect this variant may be benign, at this time, the clinical significance is uncertain due to the absence of conclusive functional and genetic evidence.

Labcorp Genetics (formerly Invitae), Labcorp
Classification: Likely benign for Joubert syndrome; Meckel-Gruber syndrome. Last evaluated: 2026-01-25. Review status: criteria provided, single submitter. Criteria: Invitae Variant Classification Sherloc (09022015). Collection method: clinical testing. Allele origin: germline.

GeneDx
Classification: Uncertain significance. Last evaluated: 2023-12-06. Review status: criteria provided, single submitter. Criteria: GeneDx Variant Classification Process June 2021. Collection method: clinical testing. Allele origin: germline.
Comment: In silico analysis supports that this missense variant does not alter protein structure/function; Has not been previously published as pathogenic or benign to our knowledge

Ambry Genetics
Classification: Likely benign for Inborn genetic diseases. Last evaluated: 2022-12-21. Review status: criteria provided, single submitter. Criteria: Ambry Variant Classification Scheme 2023. Collection method: clinical testing. Allele origin: germline.

Eurofins Ntd Llc (ga)
Classification: Uncertain significance. Last evaluated: 2018-04-19. Review status: criteria provided, single submitter. Criteria: EGL ClinVar v180209 classification definitions. Collection method: clinical testing. Allele origin: germline. Observed: 3 variant alleles, 3 heterozygotes.

Illumina Laboratory Services, Illumina
Classification: Uncertain significance for Meckel syndrome, type 1. Last evaluated: 2018-01-13. Review status: criteria provided, single submitter. Criteria: ICSL Variant Classification Criteria 13 December 2019. Collection method: clinical testing. Allele origin: germline.

Illumina Laboratory Services, Illumina
Classification: Uncertain significance for Bardet-Biedl syndrome 13. Last evaluated: 2018-01-13. Review status: criteria provided, single submitter. Criteria: ICSL Variant Classification Criteria 13 December 2019. Collection method: clinical testing. Allele origin: germline.

NM_017777.4(MKS1):c.1322C>T (p.Thr441Met)

Gene: MKS1 (MKS transition zone complex subunit 1; minus strand). Cytogenetic location: 17q22.
Variant type: single nucleotide variant.
Coding change: c.1322C>T on transcript NM_017777.4 (MANE Select); coding-DNA position 1322, C replaced by T.
Protein change: p.Thr441Met; replaces threonine 441 with methionine.
Molecular consequence: missense variant. On other transcripts: intron variant (1).
Genome position (GRCh38, 1-based): chr17:58,207,170, G>A on the plus strand (C>T on the coding strand, the complement: MKS1 is on the minus strand). VCF-style: chr17-58207170-G-A. GRCh37 (hg19) VCF-style: chr17-56284531-G-A.
Other names: c.713C>T, p.Thr238Met (NM_001321268.2); c.1322C>T, p.Thr441Met (NM_001321269.2); c.1273+724C>T (NM_001330397.2); short protein forms T441M, T238M.
Identifiers: ClinVar variation 324159 (VCV000324159.28), dbSNP rs367625961, ClinGen allele CA8669167.